The following is an entry in ClinVar:

ClinVar aggregate classification (germline): Uncertain significance (1 of 4 stars; one submission).

Conditions:
Cardiovascular phenotype. Identifiers: MedGen CN230736.

Submission:

Ambry Genetics
Classification: Uncertain significance for Cardiovascular phenotype. Last evaluated: 2026-05-14. Review status: criteria provided, single submitter. Criteria: Ambry Variant Classification Scheme 2023. Collection method: clinical testing. Allele origin: germline.
Comment: The p.S326R variant (also known as c.978T>G), located in coding exon 9 of the PTPN11 gene, results from a T to G substitution at nucleotide position 978. The serine at codon 326 is replaced by arginine, an amino acid with dissimilar properties. This amino acid position is conserved. In addition, the in silico prediction for this alteration is inconclusive. Based on the available evidence, the clinical significance of this variant remains unclear.

NM_002834.5(PTPN11):c.978T>G (p.Ser326Arg)

Gene: PTPN11 (protein tyrosine phosphatase non-receptor type 11; plus strand). Cytogenetic location: 12q24.13.
Variant type: single nucleotide variant.
Coding change: c.978T>G on transcript NM_002834.5 (MANE Select); coding-DNA position 978, T replaced by G.
Protein change: p.Ser326Arg; replaces serine 326 with arginine.
Molecular consequence: missense variant.
Genome position (GRCh38, 1-based): chr12:112,477,901, T>G. VCF-style: chr12-112477901-T-G. GRCh37 (hg19) VCF-style: chr12-112915705-T-G.
Other names: c.978T>G, p.Ser326Arg (NM_001330437.2, NM_080601.3); c.975T>G, p.Ser325Arg (NM_001374625.1); short protein forms S325R, S326R.
Identifiers: ClinVar variation 4862772 (VCV004862772.1).